The following is an entry in ClinVar:

NM_004006.3(DMD):c.4511A>G (p.His1504Arg)

Gene: DMD (dystrophin; minus strand). Cytogenetic location: Xp21.1.
Variant type: single nucleotide variant.
Coding change: c.4511A>G on transcript NM_004006.3 (MANE Select); coding-DNA position 4511, A replaced by G.
Protein change: p.His1504Arg; replaces histidine 1504 with arginine.
Molecular consequence: missense variant.
Genome position (GRCh38, 1-based): chrX:32,389,508, T>C on the plus strand (A>G on the coding strand, the complement: DMD is on the minus strand). VCF-style: chrX-32389508-T-C. GRCh37 (hg19) VCF-style: chrX-32407625-T-C.
Other names: c.4487A>G, p.His1496Arg (NM_000109.4); c.4499A>G, p.His1500Arg (NM_004009.3); c.4142A>G, p.His1381Arg (NM_004010.3); c.488A>G, p.His163Arg (NM_004011.4); c.479A>G, p.His160Arg (NM_004012.4); short protein forms H1500R, H1504R, H1381R, H1496R, H163R, H160R.
Identifiers: ClinVar variation 2809128 (VCV002809128.3), dbSNP rs2523113880, ClinGen allele CA412662934.

ClinVar aggregate classification (germline): Uncertain significance (1 of 4 stars; one submission).

Conditions:
Duchenne muscular dystrophy (DMD). Also called: MUSCULAR DYSTROPHY, PSEUDOHYPERTROPHIC PROGRESSIVE, DUCHENNE TYPE; Duchenne Muscular Dystrophy (DMD). Identifiers: Orphanet 98896, MedGen C0013264, MONDO:0010679, OMIM 310200.

Allele frequency attached by ClinVar (database versions not stated): gnomAD exomes below 0.00001.
gnomAD v4.1: 3 of 1,211,080 alleles (0.00025%); highest among the groups gnomAD compares: Non-Finnish European, 0.00034%; no homozygotes.

Submission:

Labcorp Genetics (formerly Invitae), Labcorp
Classification: Uncertain significance for Duchenne muscular dystrophy. Last evaluated: 2023-08-07. Review status: criteria provided, single submitter. Criteria: Invitae Variant Classification Sherloc (09022015). Collection method: clinical testing. Allele origin: germline.
Comment: This variant has not been reported in the literature in individuals affected with DMD-related conditions. This variant is not present in population databases (gnomAD no frequency). This sequence change replaces histidine, which is basic and polar, with arginine, which is basic and polar, at codon 1504 of the DMD protein (p.His1504Arg). Advanced modeling of protein sequence and biophysical properties (such as structural, functional, and spatial information, amino acid conservation, physicochemical variation, residue mobility, and thermodynamic stability) performed at Invitae indicates that this missense variant is not expected to disrupt DMD protein function. In summary, the available evidence is currently insufficient to determine the role of this variant in disease. Therefore, it has been classified as a Variant of Uncertain Significance.